The following is an entry in ClinVar:

NM_021098.3(CACNA1H):c.802A>G (p.Arg268Gly)

Gene: CACNA1H (calcium voltage-gated channel subunit alpha1 H; plus strand). Cytogenetic location: 16p13.3.
Variant type: single nucleotide variant.
Coding change: c.802A>G on transcript NM_021098.3 (MANE Select); coding-DNA position 802, A replaced by G.
Protein change: p.Arg268Gly; replaces arginine 268 with glycine.
Molecular consequence: missense variant.
Genome position (GRCh38, 1-based): chr16:1,198,773, A>G. VCF-style: chr16-1198773-A-G. GRCh37 (hg19) VCF-style: chr16-1248773-A-G.
Other names: c.802A>G, p.Arg268Gly (NM_001005407.2); short protein forms R268G.
Identifiers: ClinVar variation 3911991 (VCV003911991.2).

ClinVar aggregate classification (germline): Uncertain significance (1 of 4 stars; one submission).

Submission:

Women's Health and Genetics/Laboratory Corporation of America, LabCorp
Classification: Uncertain significance. Last evaluated: 2025-07-01. Review status: criteria provided, single submitter. Criteria: LabCorp Variant Classification Summary - May 2015. Collection method: clinical testing. Allele origin: germline.
Comment: Variant summary: CACNA1H c.802A>G (p.Arg268Gly) results in a non-conservative amino acid change in the encoded protein sequence. Algorithms developed to predict the effect of missense changes on protein structure and function are either unavailable or do not agree on the potential impact of this missense change. The variant was absent in 241890 control chromosomes. The available data on variant occurrences in the general population are insufficient to allow any conclusion about variant significance. To our knowledge, no occurrence of c.802A>G in individuals affected with Idiopathic Generalized Epilepsy and no experimental evidence demonstrating its impact on protein function have been reported. No submitters have cited clinical-significance assessments for this variant to ClinVar. Based on the evidence outlined above, the variant was classified as uncertain significance.